The following is an entry in ClinVar:

NM_032578.4(MYPN):c.2726A>G (p.Glu909Gly)

Gene: MYPN (myopalladin; plus strand). Cytogenetic location: 10q21.3.
Variant type: single nucleotide variant.
Coding change: c.2726A>G on transcript NM_032578.4 (MANE Select); coding-DNA position 2726, A replaced by G.
Protein change: p.Glu909Gly; replaces glutamic acid 909 with glycine.
Molecular consequence: missense variant. On other transcripts: non-coding transcript variant (2).
Genome position (GRCh38, 1-based): chr10:68,188,927, A>G. VCF-style: chr10-68188927-A-G. GRCh37 (hg19) VCF-style: chr10-69948684-A-G.
Other names: c.2726A>G, p.Glu909Gly (NM_001256267.2); c.1844A>G, p.Glu615Gly (NM_001256268.2); short protein forms E615G, E909G.
Identifiers: ClinVar variation 2015645 (VCV002015645.4), dbSNP rs1554849161, ClinGen allele CA376853184.

ClinVar aggregate classification (germline): Uncertain significance (1 of 4 stars; one submission).

Conditions:
Dilated cardiomyopathy 1KK (CMD1KK). Identifiers: Orphanet 154, Orphanet 75249, MedGen C3714995, MONDO:0014100, OMIM 615248.

Submission:

Labcorp Genetics (formerly Invitae), Labcorp
Classification: Uncertain significance for Dilated cardiomyopathy 1KK. Last evaluated: 2022-07-10. Review status: criteria provided, single submitter. Criteria: Invitae Variant Classification Sherloc (09022015). Collection method: clinical testing. Allele origin: germline.
Comment: This variant has not been reported in the literature in individuals affected with MYPN-related conditions. This variant is not present in population databases (gnomAD no frequency). This sequence change replaces glutamic acid, which is acidic and polar, with glycine, which is neutral and non-polar, at codon 909 of the MYPN protein (p.Glu909Gly). Algorithms developed to predict the effect of missense changes on protein structure and function (SIFT, PolyPhen-2, Align-GVGD) all suggest that this variant is likely to be disruptive. In summary, the available evidence is currently insufficient to determine the role of this variant in disease. Therefore, it has been classified as a Variant of Uncertain Significance.